The following is an entry in ClinVar:

ClinVar aggregate classification (germline): Pathogenic/Likely pathogenic. Review status: criteria provided, multiple submitters, no conflicts (2 of 4 stars). 6 submissions from 6 submitters: Pathogenic (1); Likely pathogenic (4). 1 of the submissions does not count toward it. Last evaluated 2026-04-21.

Conditions:
NPC1-related disorder. Also called: NPC1-related condition.
Niemann-Pick disease, type C1. Also called: NEUROVISCERAL STORAGE DISEASE WITH VERTICAL SUPRANUCLEAR OPHTHALMOPLEGIA; NIEMANN-PICK DISEASE WITH CHOLESTEROL ESTERIFICATION BLOCK; NIEMANN-PICK DISEASE WITHOUT SPHINGOMYELINASE DEFICIENCY; NIEMANN-PICK DISEASE, CHRONIC NEURONOPATHIC FORM; NIEMANN-PICK DISEASE, VARIANT TYPE C1. Identifiers: Orphanet 646, MedGen C3179455, MONDO:0009757, OMIM 257220.

gnomAD v4.1: 3 of 1,614,150 alleles (0.00019%); highest among the groups gnomAD compares: Non-Finnish European, 0.00025%; no homozygotes.

Submissions (6):

Myriad Genetics, Inc.
Classification: Likely pathogenic for Niemann-Pick disease, type C1. Last evaluated: 2026-04-21. Review status: criteria provided, single submitter. Criteria: Myriad Autosomal Dominant, Autosomal Recessive and X-Linked Classification Criteria (2023). Collection method: clinical testing. Allele origin: unknown.
Comment: NM_000271.4(NPC1):c.2072C>T(P691L) is a missense variant classified as likely pathogenic in the context of Niemann-Pick disease type C1. P691L has been observed in cases with relevant disease (PMID: 41851921, 33624863, 25236789, 27139891, 28130309, 38131230). Relevant functional assessments of this variant are not available in the literature. P691L has not been observed in referenced population frequency databases. In summary, NM_000271.4(NPC1):c.2072C>T(P691L) is a missense variant that has been observed more frequently in cases with the relevant disease than in healthy populations. Please note: this variant was assessed in the context of healthy population screening.

Labcorp Genetics (formerly Invitae), Labcorp
Classification: Pathogenic for Niemann-Pick disease, type C1. Last evaluated: 2025-09-15. Review status: criteria provided, single submitter. Criteria: Invitae Variant Classification Sherloc (09022015). Collection method: clinical testing. Allele origin: germline.
Comment: This sequence change replaces proline, which is neutral and non-polar, with leucine, which is neutral and non-polar, at codon 691 of the NPC1 protein (p.Pro691Leu). This variant is not present in population databases (gnomAD no frequency). This missense change has been observed in individual(s) with Niemann-Pick disease type C (PMID: 12955717, 25236789, 27139891; internal data). In at least one individual the data is consistent with being in trans (on the opposite chromosome) from a pathogenic variant. ClinVar contains an entry for this variant (Variation ID: 552803). Invitae Evidence Modeling of protein sequence and biophysical properties (such as structural, functional, and spatial information, amino acid conservation, physicochemical variation, residue mobility, and thermodynamic stability) indicates that this missense variant is expected to disrupt NPC1 protein function with a positive predictive value of 95%. For these reasons, this variant has been classified as Pathogenic.

CeGaT Center for Human Genetics Tuebingen
Classification: Likely pathogenic. Last evaluated: 2025-08-01. Review status: criteria provided, single submitter. Criteria: CeGaT Center For Human Genetics Tuebingen Variant Classification Criteria Version 2. Collection method: clinical testing. Allele origin: germline. Affected: yes. Observed: 1 variant allele.
Comment: NPC1: PM2, PM3, PM5, PP3

GeneDx
Classification: Likely pathogenic. Last evaluated: 2024-09-05. Review status: criteria provided, single submitter. Criteria: GeneDx Variant Classification Process June 2021. Collection method: clinical testing. Allele origin: germline.
Comment: Not observed at significant frequency in large population cohorts (gnomAD); In silico analysis supports that this missense variant has a deleterious effect on protein structure/function; This variant is associated with the following publications: (PMID: 25236789, 27139891, 32248828, 12955717, 33624863)

Blueprint Genetics
Classification: Likely pathogenic for NPC1-related disorders. Last evaluated: 2023-05-04. Review status: criteria provided, single submitter. Criteria: ACMG Guidelines, 2015. Collection method: clinical testing. Allele origin: germline. Affected: yes. Observed: 2 variant alleles.

Counsyl
Classification: Likely pathogenic for Niemann-Pick disease, type C1. Last evaluated: 2017-07-07. Review status: no assertion criteria provided. Collection method: clinical testing. Allele origin: unknown. Not counted in ClinVar's aggregate classification.

Literature cited by the submitters: PubMed 25236789 (cited by 3 submitters); PubMed 27139891 (cited by 3 submitters); PubMed 28130309 (cited by Myriad Genetics, Inc. and Counsyl); PubMed 33624863 (cited by Myriad Genetics, Inc.); PubMed 38131230 (cited by Myriad Genetics, Inc.); PubMed 41851921 (cited by Myriad Genetics, Inc.); PubMed 12955717 (cited by Labcorp Genetics (formerly Invitae), Labcorp and Counsyl); PubMed 27238017 (cited by Counsyl).

NM_000271.5(NPC1):c.2072C>T (p.Pro691Leu)

Gene: NPC1 (NPC intracellular cholesterol transporter 1; minus strand). Cytogenetic location: 18q11.2.
Variant type: single nucleotide variant.
Coding change: c.2072C>T on transcript NM_000271.5 (MANE Select); coding-DNA position 2072, C replaced by T.
Protein change: p.Pro691Leu; replaces proline 691 with leucine.
Molecular consequence: missense variant.
Genome position (GRCh38, 1-based): chr18:23,544,402, G>A on the plus strand (C>T on the coding strand, the complement: NPC1 is on the minus strand). VCF-style: chr18-23544402-G-A. GRCh37 (hg19) VCF-style: chr18-21124366-G-A.
Other names: short protein forms P691L.
Identifiers: ClinVar variation 552803 (VCV000552803.22), dbSNP rs1555634422, ClinGen allele CA401771363.